The following is an entry in ClinVar:

ClinVar aggregate classification (germline): Uncertain significance. Review status: criteria provided, multiple submitters, no conflicts (2 of 4 stars). 2 submissions from 2 submitters: Uncertain significance (2). Last evaluated 2025-12-08.

Conditions:
Cortical dysplasia, complex, with other brain malformations 13. Also called: Intellectual disability, autosomal dominant 13. Identifiers: MedGen C3281202, MONDO:0013805, OMIM 614563.
Charcot-Marie-Tooth disease axonal type 2O. Also called: CHARCOT-MARIE-TOOTH NEUROPATHY, AXONAL, TYPE 2O; CHARCOT-MARIE-TOOTH DISEASE, AXONAL, AUTOSOMAL DOMINANT, TYPE 2O; Charcot-Marie-Tooth Neuropathy Type 2O; Charcot-Marie-Tooth disease, axonal, type 20. Identifiers: Orphanet 284232, MedGen C3280220, MONDO:0013644, OMIM 614228.

Allele frequency attached by ClinVar (database versions not stated): TOPMed below 0.00001.
gnomAD v4.1: 1 of 1,614,208 alleles (0.000062%); highest among the groups gnomAD compares: Admixed American, 0.0017%; no homozygotes.

Submissions (2):

Labcorp Genetics (formerly Invitae), Labcorp
Classification: Uncertain significance for Charcot-Marie-Tooth disease axonal type 2O. Last evaluated: 2025-12-08. Review status: criteria provided, single submitter. Criteria: Invitae Variant Classification Sherloc (09022015). Collection method: clinical testing. Allele origin: germline.
Comment: This sequence change replaces phenylalanine, which is neutral and non-polar, with leucine, which is neutral and non-polar, at codon 4624 of the DYNC1H1 protein (p.Phe4624Leu). This variant is not present in population databases (gnomAD no frequency). This variant has not been reported in the literature in individuals affected with DYNC1H1-related conditions. ClinVar contains an entry for this variant (Variation ID: 1683571). Invitae Evidence Modeling of protein sequence and biophysical properties (such as structural, functional, and spatial information, amino acid conservation, physicochemical variation, residue mobility, and thermodynamic stability) indicates that this missense variant is not expected to disrupt DYNC1H1 protein function with a negative predictive value of 95%. In summary, the available evidence is currently insufficient to determine the role of this variant in disease. Therefore, it has been classified as a Variant of Uncertain Significance.

Laboratorio de Genetica e Diagnostico Molecular, Hospital Israelita Albert Einstein
Classification: Uncertain significance for Cortical dysplasia, complex, with other brain malformations 13. Last evaluated: 2021-07-22. Review status: criteria provided, single submitter. Criteria: ACMG Guidelines, 2015. Collection method: clinical testing. Allele origin: germline. Affected: yes.
Comment: ACMG classification criteria: PM2 moderate, PP2 supporting, BP4 supporting

NM_001376.5(DYNC1H1):c.13872C>A (p.Phe4624Leu)

Gene: DYNC1H1 (dynein cytoplasmic 1 heavy chain 1; plus strand). Cytogenetic location: 14q32.31.
Variant type: single nucleotide variant.
Coding change: c.13872C>A on transcript NM_001376.5 (MANE Select); coding-DNA position 13872, C replaced by A.
Protein change: p.Phe4624Leu; replaces phenylalanine 4624 with leucine.
Molecular consequence: missense variant.
Genome position (GRCh38, 1-based): chr14:102,050,494, C>A. VCF-style: chr14-102050494-C-A. GRCh37 (hg19) VCF-style: chr14-102516831-C-A.
Other names: short protein forms F4624L.
Identifiers: ClinVar variation 1683571 (VCV001683571.4), dbSNP rs375918532, ClinGen allele CA266990426.